The following is an entry in ClinVar:

ClinVar aggregate classification (germline): Uncertain significance (1 of 4 stars; one submission).

Conditions:
Hereditary cancer-predisposing syndrome. Also called: Neoplastic Syndromes, Hereditary; Tumor predisposition; Hereditary neoplastic syndrome; Hereditary Cancer Syndrome. Identifiers: Orphanet 140162, MedGen C0027672, MeSH D009386, MONDO:0015356.

Allele frequency attached by ClinVar (database versions not stated): gnomAD exomes below 0.00001.
gnomAD v4.1: 1 of 1,614,168 alleles (0.000062%); no homozygotes.

Submission:

Ambry Genetics
Classification: Uncertain significance for Hereditary cancer-predisposing syndrome. Last evaluated: 2022-12-03. Review status: criteria provided, single submitter. Criteria: Ambry Variant Classification Scheme 2023. Collection method: clinical testing. Allele origin: germline.
Comment: The p.Q173R variant (also known as c.518A>G), located in coding exon 1 of the AXIN2 gene, results from an A to G substitution at nucleotide position 518. The glutamine at codon 173 is replaced by arginine, an amino acid with highly similar properties. This amino acid position is conserved. In addition, the in silico prediction for this alteration is inconclusive. Since supporting evidence is limited at this time, the clinical significance of this alteration remains unclear.

NM_004655.4(AXIN2):c.518A>G (p.Gln173Arg)

Gene: AXIN2 (axin 2; minus strand). Cytogenetic location: 17q24.1.
Variant type: single nucleotide variant.
Coding change: c.518A>G on transcript NM_004655.4 (MANE Select); coding-DNA position 518, A replaced by G.
Protein change: p.Gln173Arg; replaces glutamine 173 with arginine.
Molecular consequence: missense variant.
Genome position (GRCh38, 1-based): chr17:65,558,103, T>C on the plus strand (A>G on the coding strand, the complement: AXIN2 is on the minus strand). VCF-style: chr17-65558103-T-C. GRCh37 (hg19) VCF-style: chr17-63554221-T-C.
Other names: c.518A>G, p.Gln173Arg (NM_001363813.1); short protein forms Q173R.
Identifiers: ClinVar variation 2451645 (VCV002451645.2), dbSNP rs2144585069, ClinGen allele CA400681069.